The following is an entry in ClinVar:

ClinVar aggregate classification (germline): Uncertain significance. Review status: criteria provided, single submitter (1 of 4 stars). 2 submissions from 2 submitters: Uncertain significance (1). 1 of the submissions does not count toward it. Last evaluated 2019-12-02.

Conditions:
SHANK3-related disorder. Also called: SHANK3-related condition.

Submissions (2):

GeneDx
Classification: Uncertain significance. Last evaluated: 2019-12-02. Review status: criteria provided, single submitter. Criteria: GeneDx Variant Classification Process June 2021. Collection method: clinical testing. Allele origin: germline. Affected: yes.
Comment: Not observed in large population cohorts (Lek et al., 2016); In silico analysis, which includes protein predictors and evolutionary conservation, supports that this variant does not alter protein structure/function; Has not been previously published as pathogenic or benign to our knowledge

PreventionGenetics, part of Exact Sciences
Classification: Uncertain significance for SHANK3-related condition. Last evaluated: 2024-03-14. Review status: no assertion criteria provided. Collection method: clinical testing. Allele origin: germline. Not counted in ClinVar's aggregate classification.
Comment: The SHANK3 c.3367G>C variant is predicted to result in the amino acid substitution p.Ala1123Pro. To our knowledge, this variant has not been reported in the literature or in a large population database, indicating this variant is rare. At this time, the clinical significance of this variant is uncertain due to the absence of conclusive functional and genetic evidence.

NM_001372044.2(SHANK3):c.3592G>C (p.Ala1198Pro)

Gene: SHANK3 (SH3 and multiple ankyrin repeat domains 3; plus strand). Cytogenetic location: 22q13.33.
Variant type: single nucleotide variant.
Coding change: c.3592G>C on transcript NM_001372044.2 (MANE Select); coding-DNA position 3592, G replaced by C.
Protein change: p.Ala1198Pro; replaces alanine 1198 with proline.
Molecular consequence: missense variant.
Genome position (GRCh38, 1-based): chr22:50,721,200, G>C. VCF-style: chr22-50721200-G-C. GRCh37 (hg19) VCF-style: chr22-51159628-G-C.
Other names: c.3367G>C (NM_033517.1); short protein forms A1198P.
Identifiers: ClinVar variation 1310751 (VCV001310751.3), dbSNP rs2146831056, ClinGen allele CA515261434.